The following is an entry in ClinVar:

NM_000168.6(GLI3):c.3691del (p.Leu1231fs)

Gene: GLI3 (GLI family zinc finger 3; minus strand). Cytogenetic location: 7p14.1.
Variant type: Deletion.
Coding change: c.3691del on transcript NM_000168.6 (MANE Select); coding-DNA position 3691, one base deleted (C; older notation c.3691delC).
Protein change: p.Leu1231fs; shifts the reading frame from leucine 1231.
Molecular consequence: frameshift variant.
Genome position (GRCh38, 1-based): chr7:41,965,382, G deleted on the plus strand (C on the coding strand, the reverse complement: GLI3 is on the minus strand). VCF-style (leftmost placement, unchanged base first): chr7-41965381-AG-A. GRCh37 (hg19) VCF-style: chr7-42004979-AG-A.
Other names: short protein forms L1231fs.
Identifiers: ClinVar variation 4975009 (VCV004975009.1).

ClinVar aggregate classification (germline): Pathogenic (1 of 4 stars; one submission).

Conditions:
Paediatric disorders.

Submission:

North West Genomic Laboratory Hub, Manchester University NHS Foundation Trust
Classification: Pathogenic for Paediatric disorders. Last evaluated: 2025-09-12. Review status: criteria provided, single submitter. Criteria: ACGS Best Practice Guidelines for Variant Classification in Rare Disease 2024. Collection method: clinical testing. Allele origin: germline. Affected: yes.
Comment: PM2_Mod PVS1_Str PS2_Str